The following is an entry in ClinVar:

NM_014915.3(ANKRD26):c.127C>G (p.Arg43Gly)

Genes: ANKRD26 (ankyrin repeat domain containing 26; minus strand), LOC130003554 (ATAC-STARR-seq lymphoblastoid silent region 2243; plus strand). Cytogenetic location: 10p12.1.
Variant type: single nucleotide variant.
Coding change: c.127C>G on transcript NM_014915.3 (MANE Select); coding-DNA position 127, C replaced by G.
Protein change: p.Arg43Gly; replaces arginine 43 with glycine.
Molecular consequence: missense variant.
Genome position (GRCh38, 1-based): chr10:27,100,200, G>C on the plus strand (C>G on the coding strand, the complement: ANKRD26 is on the minus strand). VCF-style: chr10-27100200-G-C. GRCh37 (hg19) VCF-style: chr10-27389129-G-C.
Other names: c.127C>G, p.Arg43Gly (NM_001256053.2); short protein forms R43G.
Identifiers: ClinVar variation 3871367 (VCV003871367.1).
Genomic context (GRCh38, chr10:27,100,200, plus strand): 5'-GCACTTTCGCCACATTACCCGCGCTGGCAGCTTTGTGGATCTTGCCGAGATCTCGGTCTC[G>C]GACGTGGTAGCCGGGCTGCGAGTAGGCGCCCTCCCCCGGCTCGCCCCCGCCTCCCGCGCT-3'
Protein context (NP_055730.2, residues 33-53): GAYSQPGYHV[Arg43Gly]DRDLGKIHKA

ClinVar aggregate classification (germline): Uncertain significance (1 of 4 stars; one submission).

Conditions:
Inborn genetic diseases. Identifiers: MedGen C0950123, MeSH D030342.

gnomAD v4.1: 9 of 1,613,600 alleles (0.00056%); highest among the groups gnomAD compares: Non-Finnish European, 0.00076%; no homozygotes.

Submission:

Ambry Genetics
Classification: Uncertain significance for Inborn genetic diseases. Last evaluated: 2025-02-16. Review status: criteria provided, single submitter. Criteria: Ambry Variant Classification Scheme 2023. Collection method: clinical testing. Allele origin: germline.
Comment: The p.R43G variant (also known as c.127C>G), located in coding exon 1 of the ANKRD26 gene, results from a C to G substitution at nucleotide position 127. The arginine at codon 43 is replaced by glycine, an amino acid with dissimilar properties. This amino acid position is conserved. In addition, this alteration is predicted to be tolerated by in silico analysis. Based on the available evidence, the clinical significance of this variant remains unclear.